The following is an entry in ClinVar:

ClinVar aggregate classification (germline): Pathogenic (1 of 4 stars; one submission).

Conditions:
Hereditary angioedema type 1 (HAE1). Identifiers: Orphanet 100050, Orphanet 100051, Orphanet 91378, MedGen C2717906, MONDO:0015053, OMIM 106100.

Submission:

DNA-diagnostics Laboratory, Research Centre For Medical Genetics
Classification: Pathogenic for Hereditary angioedema type 1. Last evaluated: 2024-08-12. Review status: criteria provided, single submitter. Criteria: ACMG Guidelines, 2015. Collection method: research. Allele origin: germline. Inheritance: Autosomal dominant inheritance. Affected: yes. Observed: 1 heterozygote.
Comment: The pathogenic or likely pathogenic SERPING1 gene variants are detected in >90% of the HAE1/2 families and in >80% of the total HAE families (e.g., DOI: 10.1016/j.molimm.2008.05.007, 10.1159/2F000138883, 10.1016/j.molimm.2011.07.010). Across all SERPING1 gene exons, about 50% of the pathogenic or likely pathogenic variants associated with HAE are LoF (173/297 in ClinVar or 292/596 in HGMD 2022.1). The c.79_85del variant in SERPING1 is localized in exon 3 from total of eight gene exons assembling biologically-relevant transcripts, and it is predicted to result in the p.Thr27Profs*50 frameshift and NMD. Additionally more than 3 LoF variants of the exon 3 SERPING1 gene are pathogenic without the PVS1 criterion: for example, such variants as c.346C>T (p.Gln116*, DOI: 10.1067/mai.2000.110471, 10.1371/journal.pone.0142174), c.120_121del (ClinVar ID: 3248624), c.550+5G>A (ClinVar ID: 3248617) and c.550G>A (p.Gly184Arg, ClinVar ID: 68253). This variant has not been reported in a large population database. In summary, the c.79_85del variant in SERPING1 meets ACMG/ClinGen SVI guidance criteria to be classified as pathogenic: PVS1, PM6, PM2_Sup

NM_000062.3(SERPING1):c.79_85del (p.Thr27fs)

Gene: SERPING1 (serpin family G member 1; plus strand). Cytogenetic location: 11q12.1.
Variant type: Deletion.
Coding change: c.79_85del on transcript NM_000062.3 (MANE Select); coding-DNA positions 79 to 85, 7 bases deleted (ACCAGCT; older notation c.79_85delACCAGCT).
Protein change: p.Thr27fs; shifts the reading frame from threonine 27.
Molecular consequence: frameshift variant.
Genome position (GRCh38, 1-based): chr11:57,599,906-57,599,912, ACCAGCT deleted; deleting any 7 consecutive bases within chr11:57,599,903-57,599,912 gives the same sequence; the c. name uses the placement nearest the transcript's 3' end. VCF-style (leftmost placement, unchanged base first): chr11-57599902-TGCTACCA-T. GRCh37 (hg19) VCF-style: chr11-57367375-TGCTACCA-T.
Other names: c.79_85del, p.Thr27fs (NM_001032295.2); short protein forms T27fs.
Identifiers: ClinVar variation 3336722 (VCV003336722.2).